The following is an entry in ClinVar:

NM_001987.5(ETV6):c.938C>A (p.Ala313Asp)

Gene: ETV6 (ETS variant transcription factor 6; plus strand). Cytogenetic location: 12p13.2.
Variant type: single nucleotide variant.
Coding change: c.938C>A on transcript NM_001987.5 (MANE Select); coding-DNA position 938, C replaced by A.
Protein change: p.Ala313Asp; replaces alanine 313 with aspartic acid.
Molecular consequence: missense variant.
Genome position (GRCh38, 1-based): chr12:11,869,898, C>A. VCF-style: chr12-11869898-C-A. GRCh37 (hg19) VCF-style: chr12-12022832-C-A.
Other names: c.935C>A, p.Ala312Asp (NM_001413913.1); c.911C>A, p.Ala304Asp (NM_001413914.1); c.674C>A, p.Ala225Asp (NM_001413915.1); c.938C>A, p.Ala313Asp (NM_001413916.1, NM_001413917.1); short protein forms A312D, A225D, A304D, A313D.
Identifiers: ClinVar variation 5036156 (VCV005036156.1).
Genomic context (GRCh38, chr12:11,869,898, plus strand): 5'-CCGAGGACGGGCTGCATAGGGAAGGGAAGCCCATCAACCTCTCTCATCGGGAAGACCTGG[C>A]TTACATGAACCACATCATGGTCTCTGTCTCCCCGCCTGAAGAGCACGCCATGCCCATTGG-3'
Protein context (NP_001978.1, residues 303-323): PINLSHREDL[Ala313Asp]YMNHIMVSVS

ClinVar aggregate classification (germline): Uncertain significance (1 of 4 stars; one submission).

Conditions:
Inborn genetic diseases. Identifiers: MedGen C0950123, MeSH D030342.

Submission:

Ambry Genetics
Classification: Uncertain significance for Inborn genetic diseases. Last evaluated: 2026-07-01. Review status: criteria provided, single submitter. Criteria: Ambry Variant Classification Scheme 2023. Collection method: clinical testing. Allele origin: germline.
Comment: The p.A313D variant (also known as c.938C>A), located in coding exon 5 of the ETV6 gene, results from a C to A substitution at nucleotide position 938. The alanine at codon 313 is replaced by aspartic acid, an amino acid with dissimilar properties. This amino acid position is conserved. In addition, this alteration is predicted to be tolerated by in silico analysis. Based on the available evidence, the clinical significance of this variant remains unclear.